The following continues an entry in ClinVar:

NM_004360.5(CDH1):c.1774G>A (p.Ala592Thr)

Gene: CDH1. ClinVar aggregate classification (germline): Benign. Benign (1).

Submissions 19 to 35 of 35:

PreventionGenetics, part of Exact Sciences
Classification: Benign. Last evaluated: 2016-11-22. Review status: criteria provided, single submitter. Criteria: ACMG Guidelines, 2015. Collection method: clinical testing. Allele origin: germline. Not counted in ClinVar's aggregate classification.

Vantari Genetics
Classification: Benign for Hereditary cancer-predisposing syndrome. Last evaluated: 2015-12-17. Review status: criteria provided, single submitter. Criteria: ACMG Guidelines, 2015. Collection method: clinical testing. Allele origin: germline. Not counted in ClinVar's aggregate classification.

Ambry Genetics
Classification: Benign for Hereditary cancer-predisposing syndrome. Last evaluated: 2014-12-17. Review status: criteria provided, single submitter. Criteria: Ambry Variant Classification Scheme 2023. Collection method: clinical testing. Allele origin: germline. Not counted in ClinVar's aggregate classification.

Color Diagnostics, LLC DBA Color Health
Classification: Likely benign for Hereditary cancer-predisposing syndrome. Last evaluated: 2014-12-09. Review status: criteria provided, single submitter. Criteria: ACMG Guidelines, 2015. Collection method: clinical testing. Allele origin: germline. Not counted in ClinVar's aggregate classification.

Breakthrough Genomics
Classification: Benign. Review status: criteria provided, single submitter. Criteria: ACMG Guidelines, 2015. Collection method: not provided. Allele origin: germline. Inheritance: Autosomal dominant inheritance. Affected: yes. Not counted in ClinVar's aggregate classification.

Biesecker Lab/Clinical Genomics Section, National Institutes of Health
Classification: Benign for CDH1-related diffuse gastric and lobular breast cancer syndrome. Last evaluated: 2023-10-03. Review status: no assertion criteria provided. Collection method: research. Allele origin: germline. Inheritance: Autosomal dominant inheritance. Affected: no. Observed: 5 variant alleles. Study: ClinSeq. Not counted in ClinVar's aggregate classification.
Comment: BA1 based on allele frequency in NFE of 0.00472 in gnomAD.

True Health Diagnostics
Classification: Benign for Hereditary cancer-predisposing syndrome. Last evaluated: 2018-08-07. Review status: no assertion criteria provided. Collection method: clinical testing. Allele origin: germline. Not counted in ClinVar's aggregate classification.

Pathway Genomics
Classification: Likely benign for Hereditary diffuse gastric cancer. Last evaluated: 2014-07-24. Review status: no assertion criteria provided. Collection method: clinical testing. Allele origin: germline. Not counted in ClinVar's aggregate classification.

CSER _CC_NCGL, University of Washington
Classification: Likely benign for Breast cancer. Last evaluated: 2014-06-01. Review status: no assertion criteria provided. Collection method: research. Allele origin: germline. Inheritance: Autosomal dominant inheritance. Study: ESP 6500 variant annotation. Not counted in ClinVar's aggregate classification.
Comment: Variants classified for the Actionable exomic incidental findings in 6503 participants: challenges of variant classification manuscript

ITMI
No classification provided. Condition: AllHighlyPenetrant. Last evaluated: 2013-09-19. Review status: no classification provided. Collection method: reference population. Allele origin: germline. Not counted in ClinVar's aggregate classification.
Comment: Please see associated publication for description of ethnicities

Clinical Genetics, Academic Medical Center
Classification: Likely benign. Review status: no assertion criteria provided. Collection method: clinical testing. Allele origin: germline. Affected: yes. Study: VKGL Data-share Consensus. Not counted in ClinVar's aggregate classification.

Department of Pathology and Laboratory Medicine, Sinai Health System
Classification: Benign. Review status: no assertion criteria provided. Collection method: clinical testing. Allele origin: unknown. Affected: yes. Observed: 9 variant alleles. Study: The Canadian Open Genetics Repository (COGR). Not counted in ClinVar's aggregate classification.
Comment: The CDH1 p.Ala592Thr variant was identified in 19 of 5458 proband chromosomes (frequency: 0.003) from individuals or families with gastric, breast and ovarian cancers; and was present in 8 of 1472 control chromosomes (frequency: 0.005) from healthy individuals (Garziera 2013, Huiping 2001, Salahshor 2001, Schrader 2011, Stuebs 2017, Valente 2014). The variant was also identified in dbSNP (ID: rs35187787) as â€šÃ„Ãºwith Uncertain significance, other alleleâ€šÃ„Ã¹. In addition, the variant was identified in the ClinVar and Clinvitae database (as likely benign by GeneDx, Illumina clinical Services, Centre for Pediatric Genomic Medicine, Children's Mercy Hospital and Clinics, Pathway Genomics, CSER, University of Washington; as benign by Invitae, Ambry Genetics, Vantari Genetics; and with uncertain significance by Biesecker Lab/Human Development Section, NIH). The variant was also listed in the Cosmic database 4x as pathogenic with a FATHMM prediction score of 0.99; in the Insight Colon Cancer Gene Variant Database 6x (frequency 0.003), and in the Zhejiang Colon Cancer Database 3x. The variant was not identified in the MutDB database. Furthermore, the variant was also listed in the 1000 Genomes Project in 6 of 5000 chromosomes (frequency: 0.001) and in the NHLBI GO Exome Sequencing Project in 54 of 8600 European American alleles and in 5 of 4396 African American alleles. The variant was identified in control databases in 893 of 277218 chromosomes (4 homozygous) at a frequency of 0.003 increasing the likelihood this could be a low frequency benign variant (Genome Aggregation Database Feb 27, 2017). It was observed in the following populations: African in 21 of 24028 chromosomes (freq: 0.0009), Other in 24 of 6464 chromosomes (freq: 0.004), Latino in 65 of 34420 chromosomes (freq: 0.002), European Non-Finnish in 609 of 126710 chromosomes (freq: 0.005), Ashkenazi Jewish in 30 of 10152 chromosomes (freq: 0.003), Finnish in 43 of 25794 chromosomes (freq: 0.002), and South Asian in 101 of 30782 chromosomes (freq: 0.003); while the variant was not observed in the East Asian population. In one study, the frequency (0.06, n=3) of the p.Ala592Thr variant in 50 gastric tumors is almost four-fold that in normal population, suggesting that this variant indeed contributed to the tumorigenesis in a subset of gastric tumors. The authors concluded that the p.Ala592Thr variant may increase the lifetime risk of developing gastric cancer as a low penetrance variant (Huiping 2001). However allelic association studies do not support an effect of this alteration in predisposing to breast cancer in general as the variant was seen at similar frequencies between case and control groups (Salahshor 2001). In further research the p.Ala592Thr variant was again identified in both cases and controls, suggesting an improbable effect on gastric cancer pathogenesis. (Garziera 2013). In addition functional studies also support a non-pathogenic role; the p.Ala592Thr variant shows no detectable effect on adhesion activation and behaves like wild-type E-cadherin when treated with adhesion activating reagents (Petrova 2016), and cells expressing the E-cadherin variant behave like wild-type in regards to migration and aggregation (Kreller 2004). The p.Ala592 residue is not conserved in mammals and computational analyses (PolyPhen-2, SIFT, AlignGVGD, BLOSUM, MutationTaster) provide inconsistent predictions regarding the impact to the protein and this information is not very predictive of pathogenicity. The variant occurs outside of the splicing consensus sequence and in silico or computational prediction software programs (SpliceSiteFinder, MaxEntScan, NNSPLICE, GeneSplicer, HumanSpliceFinder) do not predict a difference in splicing. In summary, based on the above information this variant meets our laboratory's criteria to be classified as benign.

Diagnostic Laboratory, Department of Genetics, University Medical Center Groningen
Classification: Likely benign. Review status: no assertion criteria provided. Collection method: clinical testing. Allele origin: germline. Affected: yes. Study: VKGL Data-share Consensus. Not counted in ClinVar's aggregate classification.

Genome Diagnostics Laboratory, Amsterdam University Medical Center
Classification: Likely benign. Review status: no assertion criteria provided. Collection method: clinical testing. Allele origin: germline. Affected: yes. Study: VKGL Data-share Consensus. Not counted in ClinVar's aggregate classification.

Joint Genome Diagnostic Labs from Nijmegen and Maastricht, Radboudumc and MUMC+
Classification: Likely benign. Review status: no assertion criteria provided. Collection method: clinical testing. Allele origin: germline. Affected: yes. Study: VKGL Data-share Consensus. Not counted in ClinVar's aggregate classification.

Laboratory of Diagnostic Genome Analysis, Leiden University Medical Center (LUMC)
Classification: Likely benign. Review status: no assertion criteria provided. Collection method: clinical testing. Allele origin: germline. Affected: yes. Study: VKGL Data-share Consensus. Not counted in ClinVar's aggregate classification.

Mayo Clinic Laboratories, Mayo Clinic
Classification: Likely benign. Review status: no assertion criteria provided. Collection method: clinical testing. Allele origin: unknown. Not counted in ClinVar's aggregate classification.

Literature cited by the submitters: PubMed 36436516 (cited by European Reference Network on Genetic Tumour Risk Syndromes (ERN-GENTURIS), i3s - Instituto de Investigação e Inovação em Saúde, University of Porto); PubMed 26072394 (cited by European Reference Network on Genetic Tumour Risk Syndromes (ERN-GENTURIS), i3s - Instituto de Investigação e Inovação em Saúde, University of Porto); PubMed 11305955 (cited by Ambry Genetics); PubMed 24728327 (cited by ITMI).